The following is an entry in ClinVar:

NM_023036.6(DNAI2):c.760G>A (p.Glu254Lys)

Gene: DNAI2 (dynein axonemal intermediate chain 2; plus strand). Cytogenetic location: 17q25.1.
Variant type: single nucleotide variant.
Coding change: c.760G>A on transcript NM_023036.6 (MANE Select); coding-DNA position 760, G replaced by A.
Protein change: p.Glu254Lys; replaces glutamic acid 254 with lysine.
Molecular consequence: missense variant. On other transcripts: non-coding transcript variant (1).
Genome position (GRCh38, 1-based): chr17:74,299,753, G>A. VCF-style: chr17-74299753-G-A. GRCh37 (hg19) VCF-style: chr17-72295892-G-A.
Other names: c.760G>A, p.Glu254Lys (NM_001172810.3, NM_001353167.2); short protein forms E254K.
Identifiers: ClinVar variation 1904548 (VCV001904548.2), dbSNP rs779332423, ClinGen allele CA8745488.

ClinVar aggregate classification (germline): Uncertain significance (1 of 4 stars; one submission).

Conditions:
Primary ciliary dyskinesia. Also called: Ciliary dyskinesia. Identifiers: Orphanet 244, MedGen C0008780, MONDO:0016575, HP:0012265.

Allele frequency attached by ClinVar (database versions not stated): gnomAD exomes below 0.00001; TOPMed below 0.00001; gnomAD 0.00001; ExAC 0.00002.

Submission:

Labcorp Genetics (formerly Invitae), Labcorp
Classification: Uncertain significance for Primary ciliary dyskinesia. Last evaluated: 2022-03-26. Review status: criteria provided, single submitter. Criteria: Invitae Variant Classification Sherloc (09022015). Collection method: clinical testing. Allele origin: germline.
Comment: This sequence change replaces glutamic acid, which is acidic and polar, with lysine, which is basic and polar, at codon 254 of the DNAI2 protein (p.Glu254Lys). This variant is present in population databases (rs779332423, gnomAD 0.02%). This variant has not been reported in the literature in individuals affected with DNAI2-related conditions. Algorithms developed to predict the effect of missense changes on protein structure and function (SIFT, PolyPhen-2, Align-GVGD) all suggest that this variant is likely to be tolerated. In summary, the available evidence is currently insufficient to determine the role of this variant in disease. Therefore, it has been classified as a Variant of Uncertain Significance.